The following is an entry in ClinVar:

ClinVar aggregate classification (germline): Uncertain significance (1 of 4 stars; one submission).

Conditions:
Hypoparathyroidism, familial isolated, 2. Identifiers: MedGen C5394383, MONDO:0020798, OMIM 618883.

Submission:

Clinical Genetics Laboratory, Skane University Hospital Lund
Classification: Uncertain significance for Hypoparathyroidism, familial isolated, 2. Last evaluated: 2025-12-18. Review status: criteria provided, single submitter. Criteria: ACMG Guidelines, 2015. Collection method: clinical testing. Allele origin: germline. Affected: yes.
Comment: ACMG criteria used: PM2, PP3

NM_004752.4(GCM2):c.322A>G (p.Lys108Glu)

Gene: GCM2 (glial cells missing transcription factor 2; minus strand). Cytogenetic location: 6p24.2.
Variant type: single nucleotide variant.
Coding change: c.322A>G on transcript NM_004752.4 (MANE Select); coding-DNA position 322, A replaced by G.
Protein change: p.Lys108Glu; replaces lysine 108 with glutamic acid.
Molecular consequence: missense variant.
Genome position (GRCh38, 1-based): chr6:10,877,161, T>C on the plus strand (A>G on the coding strand, the complement: GCM2 is on the minus strand). VCF-style: chr6-10877161-T-C. GRCh37 (hg19) VCF-style: chr6-10877394-T-C.
Other names: short protein forms K108E.
Identifiers: ClinVar variation 4538475 (VCV004538475.1).